The following is an entry in ClinVar:

NM_001267550.2(TTN):c.35287C>T (p.Arg11763Ter)

Gene: TTN (titin; minus strand). Cytogenetic location: 2q31.2.
Variant type: single nucleotide variant.
Coding change: c.35287C>T on transcript NM_001267550.2 (MANE Select); coding-DNA position 35287, C replaced by T.
Protein change: p.Arg11763Ter; replaces arginine 11763 with a stop codon.
Molecular consequence: nonsense. On other transcripts: intron variant (3).
Genome position (GRCh38, 1-based): chr2:178,671,111, G>A on the plus strand (C>T on the coding strand, the complement: TTN is on the minus strand). VCF-style: chr2-178671111-G-A. GRCh37 (hg19) VCF-style: chr2-179535838-G-A.
Other names: c.34165C>T, p.Arg11389Ter (NM_001256850.1); c.31384C>T, p.Arg10462Ter (NM_133378.4); c.13283-28794C>T (NM_003319.4); c.13859-28794C>T (NM_133437.4); c.13658-28794C>T (NM_133432.3); short protein forms R10462*, R11389*, R11763*.
Identifiers: ClinVar variation 289562 (VCV000289562.9), dbSNP rs886044207, ClinGen allele CA10606481.

ClinVar aggregate classification (germline): Conflicting classifications of pathogenicity. Review status: criteria provided, conflicting classifications (1 of 4 stars). 3 submissions from 3 submitters: Likely pathogenic (1); Uncertain significance (2). Last evaluated 2024-07-09.

Conditions:
Cardiomyopathy (CMYO). Also called: Cardiomyopathies. Identifiers: Orphanet 167848, MedGen C0878544, MONDO:0004994, HP:0001638. Inheritance: Various modes of inheritance.
Autosomal recessive limb-girdle muscular dystrophy type 2J (LGMDR10). Also called: Limb-girdle muscular dystrophy, type 2J; MUSCULAR DYSTROPHY, LIMB-GIRDLE, AUTOSOMAL RECESSIVE 10. Identifiers: Orphanet 140922, MedGen C1837342, MONDO:0012127, OMIM 608807.
Dilated cardiomyopathy 1G (CMD1G). Identifiers: Orphanet 154, MedGen C1858763, MONDO:0011400, OMIM 604145.

Allele frequency attached by ClinVar (database versions not stated): TOPMed below 0.00001.
gnomAD v4.1: 1 of 1,605,724 alleles (0.000062%); highest among the groups gnomAD compares: Non-Finnish European, 0.000085%; no homozygotes.

Submissions (3):

Labcorp Genetics (formerly Invitae), Labcorp
Classification: Likely pathogenic for Dilated cardiomyopathy 1G; Autosomal recessive limb-girdle muscular dystrophy type 2J. Last evaluated: 2024-07-09. Review status: criteria provided, single submitter. Criteria: Invitae Variant Classification Sherloc (09022015). Collection method: clinical testing. Allele origin: germline.
Comment: This sequence change creates a premature translational stop signal (p.Arg11763*) in the TTN gene. While this is not anticipated to result in nonsense mediated decay, it is expected to create a truncated TTN protein. This variant is not present in population databases (gnomAD no frequency). This premature translational stop signal has been observed in individual(s) with left ventricular non-compaction (PMID: 33226272). This variant is also known as p.R10462X. ClinVar contains an entry for this variant (Variation ID: 289562). Algorithms developed to predict the effect of sequence changes on RNA splicing suggest that this variant may disrupt the consensus splice site. This variant is located in the I band of TTN (PMID: 25589632). Truncating variants in this region have been reported in individuals affected with autosomal recessive centronuclear myopathy (PMID: 23975875, Invitae internal data). Truncating variants in this region have also been identified in individuals affected with autosomal dominant dilated cardiomyopathy and/or cardio-related conditions (PMID: 27869827, 32964742, Invitae internal data). In summary, the currently available evidence indicates that the variant is pathogenic, but additional data are needed to prove that conclusively. Therefore, this variant has been classified as Likely Pathogenic.

CHEO Genetics Diagnostic Laboratory, Children's Hospital of Eastern Ontario
Classification: Uncertain significance for Cardiomyopathy. Last evaluated: 2021-09-23. Review status: criteria provided, single submitter. Criteria: ACMG Guidelines, 2015. Collection method: clinical testing. Allele origin: germline.

Eurofins Ntd Llc (ga)
Classification: Uncertain significance. Last evaluated: 2016-08-02. Review status: criteria provided, single submitter. Criteria: EGL Classification Definitions 2015. Collection method: clinical testing. Allele origin: germline. Observed: 1 variant allele, 1 heterozygote.

Literature cited by the submitters: PubMed 33226272 (cited by Labcorp Genetics (formerly Invitae), Labcorp); PubMed 25589632 (cited by Labcorp Genetics (formerly Invitae), Labcorp); PubMed 23975875 (cited by Labcorp Genetics (formerly Invitae), Labcorp); PubMed 27869827 (cited by Labcorp Genetics (formerly Invitae), Labcorp); PubMed 32964742 (cited by Labcorp Genetics (formerly Invitae), Labcorp); N:\Bioinformatics\EmBase\data\INPUT\TTN interpretation.docx (cited by Eurofins Ntd Llc (ga)).